The following is an entry in ClinVar:

NM_172364.5(CACNA2D4):c.2307C>A (p.Ser769Arg)

Gene: CACNA2D4 (calcium voltage-gated channel auxiliary subunit alpha2delta 4; minus strand). Cytogenetic location: 12p13.33.
Variant type: single nucleotide variant.
Coding change: c.2307C>A on transcript NM_172364.5 (MANE Select); coding-DNA position 2307, C replaced by A.
Protein change: p.Ser769Arg; replaces serine 769 with arginine.
Molecular consequence: missense variant.
Genome position (GRCh38, 1-based): chr12:1,846,629, G>T on the plus strand (C>A on the coding strand, the complement: CACNA2D4 is on the minus strand). VCF-style: chr12-1846629-G-T. GRCh37 (hg19) VCF-style: chr12-1955795-G-T.
Other names: short protein forms S769R.
Identifiers: ClinVar variation 883593 (VCV000883593.12), dbSNP rs201035458, ClinGen allele CA6386750.

ClinVar aggregate classification (germline): Conflicting classifications of pathogenicity. Review status: criteria provided, conflicting classifications (1 of 4 stars). 3 submissions from 3 submitters: Uncertain significance (2); Likely benign (1). Last evaluated 2026-01-08.

Conditions:
Retinal cone dystrophy 4 (RCD4). Identifiers: Orphanet 1872, MedGen C1864849, MONDO:0012507, OMIM 610478.

Allele frequency attached by ClinVar (database versions not stated): gnomAD exomes 0.00018 and 0.00053; ExAC 0.00022; gnomAD 0.00029; TOPMed 0.00029; ESP Exome Variant Server 0.00032.
gnomAD v4.1: 841 of 1,604,064 alleles (0.052%); highest among the groups gnomAD compares: Non-Finnish European, 0.066%; 1 homozygote.

Submissions (3):

Labcorp Genetics (formerly Invitae), Labcorp
Classification: Uncertain significance. Last evaluated: 2026-01-08. Review status: criteria provided, single submitter. Criteria: Invitae Variant Classification Sherloc (09022015). Collection method: clinical testing. Allele origin: germline.
Comment: This sequence change replaces serine, which is neutral and polar, with arginine, which is basic and polar, at codon 769 of the CACNA2D4 protein (p.Ser769Arg). This variant is present in population databases (rs201035458, gnomAD 0.03%). This variant has not been reported in the literature in individuals affected with CACNA2D4-related conditions. ClinVar contains an entry for this variant (Variation ID: 883593). An algorithm developed to predict the effect of missense changes on protein structure and function outputs the following: PolyPhen-2: "Benign". The arginine amino acid residue is found in multiple mammalian species, which suggests that this missense change does not adversely affect protein function. In summary, the available evidence is currently insufficient to determine the role of this variant in disease. Therefore, it has been classified as a Variant of Uncertain Significance.

Blueprint Genetics
Classification: Likely benign. Last evaluated: 2024-05-06. Review status: criteria provided, single submitter. Criteria: ACMG Guidelines, 2015. Collection method: clinical testing. Allele origin: germline.

Illumina Laboratory Services, Illumina
Classification: Uncertain significance for Retinal cone dystrophy 4. Last evaluated: 2018-01-13. Review status: criteria provided, single submitter. Criteria: ICSL Variant Classification Criteria 13 December 2019. Collection method: clinical testing. Allele origin: germline.